The following is an entry in ClinVar:

NM_001365536.1(SCN9A):c.3542T>A (p.Ile1181Asn)

Genes: SCN9A (sodium voltage-gated channel alpha subunit 9; minus strand), SCN1A-AS1 (SCN1A and SCN9A antisense RNA 1; plus strand). Cytogenetic location: 2q24.3.
Variant type: single nucleotide variant.
Coding change: c.3542T>A on transcript NM_001365536.1 (MANE Select); coding-DNA position 3542, T replaced by A.
Protein change: p.Ile1181Asn; replaces isoleucine 1181 with asparagine.
Molecular consequence: missense variant.
Genome position (GRCh38, 1-based): chr2:166,242,587, A>T on the plus strand (T>A on the coding strand, the complement: SCN9A is on the minus strand). VCF-style: chr2-166242587-A-T. GRCh37 (hg19) VCF-style: chr2-167099097-A-T.
Other names: c.3509T>A, p.Ile1170Asn (NM_002977.4); short protein forms I1170N, I1181N.
Identifiers: ClinVar variation 1465748 (VCV001465748.8), dbSNP rs1695614721, ClinGen allele CA349070406.

ClinVar aggregate classification (germline): Uncertain significance (1 of 4 stars; one submission).

Conditions:
Neuropathy, hereditary sensory and autonomic, type 2A (HSAN2A). Also called: WNK1-Related HSAN2 (HSAN2A); HSAN IIA; ACROOSTEOLYSIS, GIACCAI TYPE; ACROOSTEOLYSIS, NEUROGENIC; MORVAN DISEASE; NEUROPATHY, CONGENITAL SENSORY. Identifiers: Orphanet 970, MedGen C2752089, MONDO:0024309, OMIM 201300.
Generalized epilepsy with febrile seizures plus, type 7 (GEFSP7). Also called: GEFS+, TYPE 7. Identifiers: Orphanet 36387, MedGen C2751778, MONDO:0013470, OMIM 613863.

Allele frequency attached by ClinVar (database versions not stated): TOPMed below 0.00001.

Submission:

Labcorp Genetics (formerly Invitae), Labcorp
Classification: Uncertain significance for Neuropathy, hereditary sensory and autonomic, type 2A; Generalized epilepsy with febrile seizures plus, type 7. Last evaluated: 2025-07-10. Review status: criteria provided, single submitter. Criteria: Invitae Variant Classification Sherloc (09022015). Collection method: clinical testing. Allele origin: germline.
Comment: This sequence change replaces isoleucine, which is neutral and non-polar, with asparagine, which is neutral and polar, at codon 1170 of the SCN9A protein (p.Ile1170Asn). This variant is not present in population databases (gnomAD no frequency). This variant has not been reported in the literature in individuals affected with SCN9A-related conditions. ClinVar contains an entry for this variant (Variation ID: 1465748). Invitae Evidence Modeling of protein sequence and biophysical properties (such as structural, functional, and spatial information, amino acid conservation, physicochemical variation, residue mobility, and thermodynamic stability) indicates that this missense variant is not expected to disrupt SCN9A protein function with a negative predictive value of 95%. In summary, the available evidence is currently insufficient to determine the role of this variant in disease. Therefore, it has been classified as a Variant of Uncertain Significance.